The following is an entry in ClinVar:

ClinVar aggregate classification (germline): Pathogenic. Review status: criteria provided, multiple submitters, no conflicts (2 of 4 stars). 6 submissions from 6 submitters: Pathogenic (6). Last evaluated 2024-04-17.
ClinVar aggregate classification (oncogenicity): Likely oncogenic (1 of 4 stars; one submission).

Conditions:
Cardiovascular phenotype. Identifiers: MedGen CN230736.
Hereditary cancer-predisposing syndrome. Also called: Hereditary neoplastic syndrome; Neoplastic Syndromes, Hereditary; Tumor predisposition; Hereditary Cancer Syndrome. Identifiers: Orphanet 140162, MedGen C0027672, MeSH D009386, MONDO:0015356.
Neurofibromatosis, type 1 (NF1). Also called: VON RECKLINGHAUSEN DISEASE; Peripheral type neurofibromatosis; NEUROFIBROMATOSIS, TYPE I, SOMATIC; Neurofibromatosis, type I. Identifiers: Orphanet 636, MedGen C0027831, MONDO:0018975, OMIM 162200. Disease mechanism: loss of function.
Neoplasm. Also called: tumor; Neoplasms; Neoplasm (disease). Identifiers: MedGen C0027651, MeSH D009369, MONDO:0005070, HP:0002664.

Submissions (7):

Center for Genomic Medicine, Rigshospitalet, Copenhagen University Hospital
Classification: Likely oncogenic for Neoplasm. Last evaluated: 2025-12-29. Review status: criteria provided, single submitter. Criteria: ClinGen/CGC/VICC Guidelines for Oncogenicity, 2022. Collection method: clinical testing. Allele origin: somatic. Affected: yes.

Quest Diagnostics Nichols Institute San Juan Capistrano
Classification: Pathogenic. Last evaluated: 2024-04-17. Review status: criteria provided, single submitter. Criteria: Quest Diagnostics criteria. Collection method: clinical testing. Allele origin: unknown.
Comment: The NF1 c.4078C>T (p.Gln1360*) variant causes the premature termination of NF1 protein synthesis. This variant has been reported in the published literature in individuals affected with neurofibromatosis 1 (PMID: 23913538 (2013)) and a gastrointestinal stromal tumor that showed loss of heterozygosity of the wild-type allele (PMID: 26556299 (2016)). This variant has not been reported in large, multi-ethnic general populations (Genome Aggregation Database). Based on the available information, this variant is classified as pathogenic.

Labcorp Genetics (formerly Invitae), Labcorp
Classification: Pathogenic for Neurofibromatosis, type 1. Last evaluated: 2023-06-20. Review status: criteria provided, single submitter. Criteria: Invitae Variant Classification Sherloc (09022015). Collection method: clinical testing. Allele origin: germline.
Comment: For these reasons, this variant has been classified as Pathogenic. ClinVar contains an entry for this variant (Variation ID: 480204). This premature translational stop signal has been observed in individual(s) with clinical features of NF1-related conditions (PMID: 23913538, 26556299). This variant is not present in population databases (gnomAD no frequency). This sequence change creates a premature translational stop signal (p.Gln1360*) in the NF1 gene. It is expected to result in an absent or disrupted protein product. Loss-of-function variants in NF1 are known to be pathogenic (PMID: 10712197, 23913538).

GeneDx
Classification: Pathogenic. Last evaluated: 2022-06-22. Review status: criteria provided, single submitter. Criteria: GeneDx Variant Classification Process June 2021. Collection method: clinical testing. Allele origin: germline. Affected: yes.
Comment: Nonsense variant predicted to result in protein truncation or nonsense mediated decay in a gene for which loss of function is a known mechanism of disease; Not observed at significant frequency in large population cohorts (gnomAD); This variant is associated with the following publications: (PMID: 26556299, 23913538)

Genome-Nilou Lab
Classification: Pathogenic for Neurofibromatosis, type 1. Last evaluated: 2022-03-15. Review status: criteria provided, single submitter. Criteria: ACMG Guidelines, 2015. Collection method: clinical testing. Allele origin: germline. Affected: no.

ARUP Laboratories, Molecular Genetics and Genomics, ARUP Laboratories
Classification: Pathogenic. Last evaluated: 2017-10-10. Review status: criteria provided, single submitter. Criteria: ARUP Molecular Germline Variant Investigation Process. Collection method: clinical testing. Allele origin: germline.

Ambry Genetics
Classification: Pathogenic for Cardiovascular phenotype; Hereditary cancer-predisposing syndrome. Last evaluated: 2017-04-27. Review status: criteria provided, single submitter. Criteria: Ambry Variant Classification Scheme 2023. Collection method: clinical testing. Allele origin: germline.
Comment: The p.Q1360* variant (also known as c.4078C>T), located in coding exon 30 of the NF1 gene, results from a C to T substitution at nucleotide position 4078. This changes the amino acid from a glutamine to a stop codon within coding exon 30. This alteration has been reported in 1 of 565 unrelated patients from the NF-France Network (Sabbagh A et al. Hum. Mutat., 2013 Nov;34:1510-8). In addition to the clinical data presented in the literature, this alteration is expected to result in loss of function by premature protein truncation or nonsense-mediated mRNA decay. As such, this alteration is interpreted as a disease-causing mutation.

Literature cited by the submitters: PubMed 34046057 (cited by Center for Genomic Medicine, Rigshospitalet, Copenhagen University Hospital); PubMed 23913538 (cited by Quest Diagnostics Nichols Institute San Juan Capistrano and Labcorp Genetics (formerly Invitae), Labcorp); PubMed 26345759 (cited by Quest Diagnostics Nichols Institute San Juan Capistrano); PubMed 26556299 (cited by Quest Diagnostics Nichols Institute San Juan Capistrano and Labcorp Genetics (formerly Invitae), Labcorp); PubMed 31663663 (cited by Quest Diagnostics Nichols Institute San Juan Capistrano); PubMed 37589977 (cited by Quest Diagnostics Nichols Institute San Juan Capistrano); PubMed 10712197 (cited by Labcorp Genetics (formerly Invitae), Labcorp).

NM_001042492.3(NF1):c.4078C>T (p.Gln1360Ter)

Gene: NF1 (neurofibromin 1; plus strand). Cytogenetic location: 17q11.2.
Variant type: single nucleotide variant.
Coding change: c.4078C>T on transcript NM_001042492.3 (MANE Select); coding-DNA position 4078, C replaced by T.
Protein change: p.Gln1360Ter; replaces glutamine 1360 with a stop codon.
Molecular consequence: nonsense.
Genome position (GRCh38, 1-based): chr17:31,249,087, C>T. VCF-style: chr17-31249087-C-T. GRCh37 (hg19) VCF-style: chr17-29576105-C-T.
Other names: c.4078C>T, p.Gln1360Ter (NM_000267.4); short protein forms Q1360*.
Identifiers: ClinVar variation 480204 (VCV000480204.19), dbSNP rs1555617368, ClinGen allele CA398995038.
Genomic context (GRCh38, chr17:31,249,087, plus strand): 5'-CTTCAGATGACTGAAAAGTTCTTCCATGCCATCATCAGTTCCTCCTCAGAATTCCCCCCT[C>T]AACTTCGAAGTGTGTGCCACTGTTTATACCAGGTATGCTTACAGTTAGAGATTACCATTA-3'